The following is an entry in ClinVar:

ClinVar aggregate classification (germline): Uncertain significance (1 of 4 stars; one submission).

Submission:

Labcorp Genetics (formerly Invitae), Labcorp
Classification: Uncertain significance. Last evaluated: 2022-03-09. Review status: criteria provided, single submitter. Criteria: Invitae Variant Classification Sherloc (09022015). Collection method: clinical testing. Allele origin: germline.
Comment: This variant has not been reported in the literature in individuals affected with CACNA1E-related conditions. This variant is not present in population databases (gnomAD no frequency). This sequence change falls in intron 42 of the CACNA1E gene. It does not directly change the encoded amino acid sequence of the CACNA1E protein. It affects a nucleotide within the consensus splice site. Variants that disrupt the consensus splice site are a relatively common cause of aberrant splicing (PMID: 17576681, 9536098). Algorithms developed to predict the effect of sequence changes on RNA splicing suggest that this variant is not likely to affect RNA splicing. In summary, the available evidence is currently insufficient to determine the role of this variant in disease. Therefore, it has been classified as a Variant of Uncertain Significance.

Literature cited by the submitters: PubMed 17576681; PubMed 9536098.

NM_001205293.3(CACNA1E):c.5679+5A>T

Gene: CACNA1E (calcium voltage-gated channel subunit alpha1 E; plus strand). Cytogenetic location: 1q25.3.
Variant type: single nucleotide variant.
Coding change: c.5679+5A>T on transcript NM_001205293.3 (MANE Select); 5 bases into the intron after coding-DNA position 5679, A replaced by T.
Molecular consequence: intron variant.
Genome position (GRCh38, 1-based): chr1:181,785,423, A>T. VCF-style: chr1-181785423-A-T. GRCh37 (hg19) VCF-style: chr1-181754559-A-T.
Other names: c.5679+5A>T (NM_000721.4); c.5622+5A>T (NM_001205294.2).
Identifiers: ClinVar variation 1392946 (VCV001392946.6), dbSNP rs2102845482, ClinGen allele CA2573131299.
Genomic context (GRCh38, chr1:181,785,423, plus strand): 5'-TGGACTACTATAAGCAGAGTAAGGTGAAGAAGCAGAGGCAGCAGCTGGAGGAACAGGTGA[A>T]AGTCAATGCCAGCATGCTAAGTGGGTGGGCCATGAGGAGTTGCAGGAGGGAATAGGCCTG-3'